The following is an entry in ClinVar:

ClinVar aggregate classification (germline): Uncertain significance (1 of 4 stars; one submission).

gnomAD v4.1: 9 of 1,551,090 alleles (0.00058%); highest among the groups gnomAD compares: Non-Finnish European, 0.00078%; no homozygotes.

Submission:

Labcorp Genetics (formerly Invitae), Labcorp
Classification: Uncertain significance. Last evaluated: 2023-03-18. Review status: criteria provided, single submitter. Criteria: Invitae Variant Classification Sherloc (09022015). Collection method: clinical testing. Allele origin: germline.
Comment: This sequence change replaces glycine, which is neutral and non-polar, with serine, which is neutral and polar, at codon 84 of the COL9A2 protein (p.Gly84Ser). This variant is not present in population databases (gnomAD no frequency). This variant has not been reported in the literature in individuals affected with COL9A2-related conditions. Experimental studies and prediction algorithms are not available or were not evaluated, and the functional significance of this variant is currently unknown. In summary, the available evidence is currently insufficient to determine the role of this variant in disease. Therefore, it has been classified as a Variant of Uncertain Significance.

NM_001852.4(COL9A2):c.250G>A (p.Gly84Ser)

Gene: COL9A2 (collagen type IX alpha 2 chain; minus strand). Cytogenetic location: 1p34.2.
Variant type: single nucleotide variant.
Coding change: c.250G>A on transcript NM_001852.4 (MANE Select); coding-DNA position 250, G replaced by A.
Protein change: p.Gly84Ser; replaces glycine 84 with serine.
Molecular consequence: missense variant.
Genome position (GRCh38, 1-based): chr1:40,312,784, C>T on the plus strand (G>A on the coding strand, the complement: COL9A2 is on the minus strand). VCF-style: chr1-40312784-C-T. GRCh37 (hg19) VCF-style: chr1-40778456-C-T.
Other names: short protein forms G84S.
Identifiers: ClinVar variation 2790910 (VCV002790910.3), dbSNP rs1644152893, ClinGen allele CA339857626.